The following is an entry in ClinVar:

NM_005739.4(RASGRP1):c.336T>C (p.Asp112=)

Gene: RASGRP1 (RAS guanyl releasing protein 1; minus strand). Cytogenetic location: 15q14.
Variant type: single nucleotide variant.
Coding change: c.336T>C on transcript NM_005739.4 (MANE Select); coding-DNA position 336, T replaced by C.
Protein change: p.Asp112=; no amino-acid change (aspartic acid 112 retained).
Molecular consequence: synonymous variant.
Genome position (GRCh38, 1-based): chr15:38,519,362, A>G on the plus strand (T>C on the coding strand, the complement: RASGRP1 is on the minus strand). VCF-style: chr15-38519362-A-G. GRCh37 (hg19) VCF-style: chr15-38811563-A-G.
Other names: c.336T>C, p.Asp112= (NM_001128602.2, NM_001306086.2).
Identifiers: ClinVar variation 712153 (VCV000712153.13), dbSNP rs145572207, ClinGen allele CA7471139.
Genomic context (GRCh38, chr15:38,519,362, plus strand): 5'-ACATTACCTTACAAAATAACAGATCTTCAGGCAAAGTCCTGGTGAATTCTTTGCCAAAGC[A>G]TCCTTATAGGTAGGGCTGTGGTTAAGGGAAATGGAGACCTCTGTTACAGAAACCAAACGA-3'
Protein context (NP_005730.2, residues 102-122): LLQKVITLYK[Asp112=]ALAKNSPGLC

ClinVar aggregate classification (germline): Benign/Likely benign. Review status: criteria provided, multiple submitters, no conflicts (2 of 4 stars). 3 submissions from 3 submitters: Benign (1); Likely benign (2). Last evaluated 2026-01-12.

Conditions:
RASGRP1-related disorder. Also called: RASGRP1-related condition.

Allele frequency attached by ClinVar (database versions not stated): gnomAD exomes 0.00019 and 0.00039; ExAC 0.00046; gnomAD 0.00135 and 0.00145; ESP Exome Variant Server 0.00144; TOPMed 0.00176; 1000 Genomes Project 0.00180; 1000 Genomes Project 30x 0.00234.
gnomAD v4.1: 474 of 1,525,404 alleles (0.031%); highest among the groups gnomAD compares: African/African-American, 0.48%; 1 homozygote.

Submissions (3):

Labcorp Genetics (formerly Invitae), Labcorp
Classification: Benign. Last evaluated: 2026-01-12. Review status: criteria provided, single submitter. Criteria: Invitae Variant Classification Sherloc (09022015). Collection method: clinical testing. Allele origin: germline.

PreventionGenetics, part of Exact Sciences
Classification: Likely benign for RASGRP1-related condition. Last evaluated: 2025-05-28. Review status: criteria provided, single submitter. Criteria: ACMG Guidelines, 2015. Collection method: clinical testing. Allele origin: germline.
Comment: This variant is classified as likely benign based on ACMG/AMP sequence variant interpretation guidelines (Richards et al. 2015 PMID: 25741868, with internal and published modifications).

Blueprint Genetics
Classification: Likely benign. Last evaluated: 2024-11-25. Review status: criteria provided, single submitter. Criteria: ACMG Guidelines, 2015. Collection method: clinical testing. Allele origin: germline.